The following is an entry in ClinVar:

NM_198239.2(CCN6):c.1010G>A (p.Cys337Tyr)

Gene: CCN6 (cellular communication network factor 6; plus strand). Cytogenetic location: 6q21.
Variant type: single nucleotide variant.
Coding change: c.1010G>A on transcript NM_198239.2 (MANE Select); coding-DNA position 1010, G replaced by A.
Protein change: p.Cys337Tyr; replaces cysteine 337 with tyrosine.
Molecular consequence: missense variant. On other transcripts: non-coding transcript variant (2).
Genome position (GRCh38, 1-based): chr6:112,069,565, G>A. VCF-style: chr6-112069565-G-A. GRCh37 (hg19) VCF-style: chr6-112390768-G-A.
Other names: c.1010G>A, p.Cys337Tyr (NM_003880.4); short protein forms C337Y.
Identifiers: ClinVar variation 521955 (VCV000521955.15), dbSNP rs781986930, ClinGen allele CA365376780.

ClinVar aggregate classification (germline): Pathogenic/Likely pathogenic. Review status: criteria provided, multiple submitters, no conflicts (2 of 4 stars). 7 submissions from 7 submitters: Pathogenic (5); Likely pathogenic (2). Last evaluated 2025-03-22.

Conditions:
Inborn genetic diseases. Identifiers: MedGen C0950123, MeSH D030342.
Progressive pseudorheumatoid dysplasia (PPRD). Also called: SPONDYLOEPIPHYSEAL DYSPLASIA TARDA WITH PROGRESSIVE ARTHROPATHY; Progressive Pseudorheumatoid Arthropathy of Childhood. Identifiers: Orphanet 1159, MedGen C0432215, MONDO:0008827, OMIM 208230. Disease mechanism: loss of function.

gnomAD v4.1: 27 of 1,613,728 alleles (0.0017%); highest among the groups gnomAD compares: South Asian, 0.0022%; no homozygotes.

Submissions (7):

Kasturba Medical College, Manipal, Kasturba Medical College, Manipal, Manipal Academy of Higher Education, Manipal, India
Classification: Likely pathogenic for Progressive pseudorheumatoid dysplasia. Last evaluated: 2025-03-22. Review status: criteria provided, single submitter. Criteria: ACMG Guidelines, 2015. Collection method: clinical testing. Allele origin: germline. Inheritance: Autosomal recessive inheritance. Affected: yes.
Comment: A known missense variant, c.1010G>A in exon 5 of CCN6 was observed in a homozygous state in proband (Dalal et al., 2012). The variant has been reported in 27 individuals in heterozygous state and absent in homozygous state in gnomAD (v4.1.0). This variant is absent in our in-house database of 3536 exomes. In-silico analysis tools (REVEL, CADD_phred) predict the variant as disease-causing and likely to affect the CCN6 function.

Women's Health and Genetics/Laboratory Corporation of America, LabCorp
Classification: Pathogenic for Progressive pseudorheumatoid dysplasia. Last evaluated: 2024-08-19. Review status: criteria provided, single submitter. Criteria: LabCorp Variant Classification Summary - May 2015. Collection method: clinical testing. Allele origin: germline.
Comment: Variant summary: CCN6 c.1010G>A (p.Cys337Tyr) results in a non-conservative amino acid change located in the Cystine knot, C-terminal domain (IPR006207) of the encoded protein sequence. Five of five in-silico tools predict a damaging effect of the variant on protein function. The variant allele was found at a frequency of 5.6e-06 in 1612800 control chromosomes. c.1010G>A has been reported in the literature as homozygous genotype in multiple individuals in one family affected with Progressive Pseudorheumatoid Dysplasia and this variant has been shown to segregate with disease (Dalal_2012). These data indicate that the variant is very likely to be associated with disease. To our knowledge, no experimental evidence demonstrating an impact on protein function has been reported. The following publication have been ascertained in the context of this evaluation (PMID: 22987568). ClinVar contains an entry for this variant (Variation ID: 521955). Based on the evidence outlined above, the variant was classified as pathogenic.

Labcorp Genetics (formerly Invitae), Labcorp
Classification: Pathogenic. Last evaluated: 2024-01-04. Review status: criteria provided, single submitter. Criteria: Invitae Variant Classification Sherloc (09022015). Collection method: clinical testing. Allele origin: germline.
Comment: This sequence change replaces cysteine, which is neutral and slightly polar, with tyrosine, which is neutral and polar, at codon 337 of the WISP3 protein (p.Cys337Tyr). This variant is present in population databases (no rsID available, gnomAD 0.0009%). This missense change has been observed in individuals with progressive pseudorheumatoid dysplasia (PMID: 22791401, 22987568, 23270760, 25988854, 32351055). It has also been observed to segregate with disease in related individuals. This variant is also known as c.1064G>A or C337T. ClinVar contains an entry for this variant (Variation ID: 521955). Advanced modeling of protein sequence and biophysical properties (such as structural, functional, and spatial information, amino acid conservation, physicochemical variation, residue mobility, and thermodynamic stability) performed at Invitae indicates that this missense variant is expected to disrupt WISP3 protein function with a positive predictive value of 80%. For these reasons, this variant has been classified as Pathogenic.

Neuberg Centre For Genomic Medicine, NCGM
Classification: Pathogenic for Progressive pseudorheumatoid dysplasia. Last evaluated: 2023-07-22. Review status: criteria provided, single submitter. Criteria: ACMG Guidelines, 2015. Collection method: clinical testing. Allele origin: germline. Inheritance: Autosomal recessive inheritance. Affected: yes.
Comment: The observed missense c.1010G>Ap.Cys337Tyr variant in CCN6 gene has been reported previously in homozygous state in individuals affected with Progressive pseudorheumatoid dysplasia PPRD Wang et al., 2023. This variant is reported with the allele frequency of 0.0003% in the gnomAD Exomes. This variant has been reported to the ClinVar database as Pathogenic multiple submissions. The amino acid Cys at position 337 is changed to a Tyr changing protein sequence and it might alter its composition and physico-chemical properties. The amino acid change p.Cys337Tyr in CCN6 is predicted as conserved by GERP++ and PhyloP across 100 vertebrates. Multiple lines of computational evidence Polyphen - Damaging, SIFT - Damaging, and MutationTaster - Disease causing predict a damaging effect on protein structure and function for this variant. Same amino acid change as a previously established pathogenic variant regardless of nucleotide change. For these reasons, this variant has been classified as Pathogenic.

SIB Swiss Institute of Bioinformatics
Classification: Pathogenic for Progressive pseudorheumatoid dysplasia. Last evaluated: 2019-02-27. Review status: criteria provided, single submitter. Criteria: ACMG Guidelines, 2015. Collection method: curation. Allele origin: unknown.
Comment: This variant is interpreted as a Pathogenic for Progressive pseudorheumatoid arthropathy of childhood, autosomal recessive. The following ACMG Tag(s) were applied: PM2 : Absent from controls (or at extremely low frequency if recessive) in Exome Sequencing Project, 1000 Genomes Project, or Exome Aggregation Consortium. PP1-Moderate : PP1 upgraded in strength to Moderate (PMID:22987568). PP3 : Multiple lines of computational evidence support a deleterious effect on the gene or gene product. PM3-Very strong : PM3 upgraded in strength to Very Strong to account for multiple jnrelated homozygous and compound heterozygous probands (PMID:22987568; 27436824; 25988854).

Ambry Genetics
Classification: Pathogenic for Inborn genetic diseases. Last evaluated: 2017-07-25. Review status: criteria provided, single submitter. Criteria: Ambry exome assertion method (8-5-2015). Collection method: clinical testing. Allele origin: germline. Affected: yes. Observed: 1 variant allele.

Suma Genomics
Classification: Likely pathogenic for Progressive pseudorheumatoid dysplasia. Review status: criteria provided, single submitter. Criteria: ACMG Guidelines, 2015. Collection method: clinical testing. Allele origin: germline. Inheritance: Autosomal recessive inheritance. Affected: yes. Observed: 1 homozygote.

Literature cited by the submitters: PubMed 22987568 (cited by 5 submitters); PubMed 22791401 (cited by Labcorp Genetics (formerly Invitae), Labcorp and Ambry Genetics); PubMed 23270760 (cited by Labcorp Genetics (formerly Invitae), Labcorp and Ambry Genetics); PubMed 25988854 (cited by 3 submitters); PubMed 32351055 (cited by Labcorp Genetics (formerly Invitae), Labcorp); PubMed 27436824 (cited by SIB Swiss Institute of Bioinformatics and Ambry Genetics); PubMed 23424195 (cited by Ambry Genetics).